The following is an entry in ClinVar:

ClinVar aggregate classification (germline): Uncertain significance. Review status: criteria provided, multiple submitters, no conflicts (2 of 4 stars). 2 submissions from 2 submitters: Uncertain significance (2). Last evaluated 2025-05-01.

Conditions:
Autosomal dominant nocturnal frontal lobe epilepsy 5. Also called: KCNT1-Related Epilepsy; Epilepsy, nocturnal frontal lobe, 5; CILIARY DYSKINESIA, PRIMARY, 28, WITHOUT SITUS INVERSUS; CILIARY DYSKINESIA, PRIMARY, 28, WITH SITUS INVERSUS. Identifiers: Orphanet 98784, MedGen C3554306, MONDO:0014002, OMIM 615005.
Developmental and epileptic encephalopathy, 14 (DEE14). Also called: Early infantile epileptic encephalopathy 14. Identifiers: Orphanet 293181, MedGen C3554195, MONDO:0013989, OMIM 614959.
Inborn genetic diseases. Identifiers: MedGen C0950123, MeSH D030342.

Allele frequency attached by ClinVar (database versions not stated): gnomAD 0.00001; TOPMed 0.00001.
gnomAD v4.1: 4 of 1,610,728 alleles (0.00025%); highest among the groups gnomAD compares: Admixed American, 0.0067%; no homozygotes.

Submissions (2):

Ambry Genetics
Classification: Uncertain significance for Inborn genetic diseases. Last evaluated: 2025-05-01. Review status: criteria provided, single submitter. Criteria: Ambry Variant Classification Scheme 2023. Collection method: clinical testing. Allele origin: germline.

Labcorp Genetics (formerly Invitae), Labcorp
Classification: Uncertain significance for Autosomal dominant nocturnal frontal lobe epilepsy 5; Developmental and epileptic encephalopathy, 14. Last evaluated: 2024-11-05. Review status: criteria provided, single submitter. Criteria: Invitae Variant Classification Sherloc (09022015). Collection method: clinical testing. Allele origin: germline.
Comment: This sequence change replaces glycine, which is neutral and non-polar, with valine, which is neutral and non-polar, at codon 142 of the KCNT1 protein (p.Gly142Val). This variant is not present in population databases (gnomAD no frequency). This variant has not been reported in the literature in individuals affected with KCNT1-related conditions. ClinVar contains an entry for this variant (Variation ID: 1499434). Invitae Evidence Modeling of protein sequence and biophysical properties (such as structural, functional, and spatial information, amino acid conservation, physicochemical variation, residue mobility, and thermodynamic stability) indicates that this missense variant is not expected to disrupt KCNT1 protein function with a negative predictive value of 80%. In summary, the available evidence is currently insufficient to determine the role of this variant in disease. Therefore, it has been classified as a Variant of Uncertain Significance.

NM_020822.3(KCNT1):c.425G>T (p.Gly142Val)

Gene: KCNT1 (potassium sodium-activated channel subfamily T member 1; plus strand). Cytogenetic location: 9q34.3.
Variant type: single nucleotide variant.
Coding change: c.425G>T on transcript NM_020822.3 (MANE Select); coding-DNA position 425, G replaced by T.
Protein change: p.Gly142Val; replaces glycine 142 with valine.
Molecular consequence: missense variant.
Genome position (GRCh38, 1-based): chr9:135,751,032, G>T. VCF-style: chr9-135751032-G-T. GRCh37 (hg19) VCF-style: chr9-138642878-G-T.
Other names: c.425G>T (NM_020822.2); c.281G>T, p.Gly94Val (NM_001272003.2); short protein forms G142V, G94V.
Identifiers: ClinVar variation 1499434 (VCV001499434.7), dbSNP rs1831131534, ClinGen allele CA375495117.